The following is an entry in ClinVar:

ClinVar aggregate classification (germline): Uncertain significance (1 of 4 stars; one submission).

Submission:

GeneDx
Classification: Uncertain significance. Last evaluated: 2023-06-30. Review status: criteria provided, single submitter. Criteria: GeneDx Variant Classification Process June 2021. Collection method: clinical testing. Allele origin: germline. Affected: yes.
Comment: Not observed at significant frequency in large population cohorts (gnomAD); In silico analysis supports that this missense variant does not alter protein structure/function; Has not been previously published as pathogenic or benign to our knowledge

NM_001009944.3(PKD1):c.1072G>C (p.Ala358Pro)

Gene: PKD1 (polycystin 1, transient receptor potential channel interacting; minus strand). Cytogenetic location: 16p13.3.
Variant type: single nucleotide variant.
Coding change: c.1072G>C on transcript NM_001009944.3 (MANE Select); coding-DNA position 1072, G replaced by C.
Protein change: p.Ala358Pro; replaces alanine 358 with proline.
Molecular consequence: missense variant.
Genome position (GRCh38, 1-based): chr16:2,117,920, C>G on the plus strand (G>C on the coding strand, the complement: PKD1 is on the minus strand). VCF-style: chr16-2117920-C-G. GRCh37 (hg19) VCF-style: chr16-2167921-C-G.
Other names: c.1072G>C, p.Ala358Pro (NM_000296.4); short protein forms A358P.
Identifiers: ClinVar variation 3360501 (VCV003360501.1).